The following is an entry in ClinVar:

ClinVar aggregate classification (germline): Pathogenic (1 of 4 stars; one submission).

Conditions:
Tuberous sclerosis 2 (TSC2). Identifiers: Orphanet 805, MedGen C1860707, MONDO:0013199, OMIM 613254.

Submission:

Labcorp Genetics (formerly Invitae), Labcorp
Classification: Pathogenic for Tuberous sclerosis 2. Last evaluated: 2018-11-06. Review status: criteria provided, single submitter. Criteria: Invitae Variant Classification Sherloc (09022015). Collection method: clinical testing. Allele origin: germline.
Comment: This variant is not present in population databases (ExAC no frequency). For these reasons, this variant has been classified as Pathogenic. Loss-of-function variants in TSC2 are known to be pathogenic (PMID: 10205261, 17304050). This variant has not been reported in the literature in individuals with TSC2-related disease. This sequence change creates a premature translational stop signal (p.Leu1682Hisfs*32) in the TSC2 gene. It is expected to result in an absent or disrupted protein product.

Literature cited by the submitters: PubMed 10205261; PubMed 17304050.

NM_000548.5(TSC2):c.5018_5042dup (p.Leu1682fs)

Gene: TSC2 (TSC complex subunit 2; plus strand). Cytogenetic location: 16p13.3.
Variant type: Duplication.
Coding change: c.5018_5042dup on transcript NM_000548.5 (MANE Select); coding-DNA positions 5018 to 5042, 25 bases duplicated (TCACCCCGCTGGACTACGAGTGCAA).
Protein change: p.Leu1682fs; shifts the reading frame from leucine 1682.
Molecular consequence: frameshift variant.
Genome position (GRCh38, 1-based): chr16:2,087,891-2,087,915, TCACCCCGCTGGACTACGAGTGCAA duplicated. VCF-style (leftmost placement, unchanged base first): chr16-2087890-G-GTCACCCCGCTGGACTACGAGTGCAA. GRCh37 (hg19) VCF-style: chr16-2137891-G-GTCACCCCGCTGGACTACGAGTGCAA.
Other names: c.4817_4841dup, p.Leu1615fs (NM_001077183.3); c.4949_4973dup, p.Leu1659fs (NM_001114382.3); c.4709_4733dup, p.Leu1579fs (NM_001318827.2); c.4673_4697dup, p.Leu1567fs (NM_001318829.2); c.4286_4310dup, p.Leu1438fs (NM_001318831.2); c.4850_4874dup, p.Leu1626fs (NM_001318832.2); c.4820_4844dup, p.Leu1616fs (NM_001363528.2); c.4886_4910dup, p.Leu1638fs (NM_001370404.1); and 1 more; short protein forms L1438fs, L1579fs, L1616fs, L1638fs, L1682fs, L1567fs, L1626fs, L1659fs.
Identifiers: ClinVar variation 660625 (VCV000660625.6), dbSNP rs1596455074, ClinGen allele CA915946261.